The following is an entry in ClinVar:

NM_003721.4(RFXANK):c.551A>G (p.Asn184Ser)

Gene: RFXANK (regulatory factor X associated ankyrin containing protein; plus strand). Cytogenetic location: 19p13.11.
Variant type: single nucleotide variant.
Coding change: c.551A>G on transcript NM_003721.4 (MANE Select); coding-DNA position 551, A replaced by G.
Protein change: p.Asn184Ser; replaces asparagine 184 with serine.
Molecular consequence: missense variant.
Genome position (GRCh38, 1-based): chr19:19,198,219, A>G. VCF-style: chr19-19198219-A-G. GRCh37 (hg19) VCF-style: chr19-19309028-A-G.
Other names: c.485A>G, p.Asn162Ser (NM_001278727.2, NM_001370234.1); c.482A>G, p.Asn161Ser (NM_001278728.2, NM_134440.3); c.551A>G, p.Asn184Ser (NM_001370233.1, NM_001370238.1); c.548A>G, p.Asn183Ser (NM_001370235.1, NM_001370236.1, NM_001370237.1); short protein forms N161S, N162S, N183S, N184S.
Identifiers: ClinVar variation 1019591 (VCV001019591.9), dbSNP rs140946419, ClinGen allele CA9322799.

ClinVar aggregate classification (germline): Uncertain significance (1 of 4 stars; one submission).

Conditions:
MHC class II deficiency. Also called: BLS, TYPE II; Bare lymphocyte syndrome 2. Identifiers: Orphanet 572, MedGen C5447452, MONDO:0008855.

Allele frequency attached by ClinVar (database versions not stated): ESP Exome Variant Server 0.00008; gnomAD exomes below 0.00001; TOPMed below 0.00001; ExAC 0.00001.
gnomAD v4.1: 2 of 1,614,152 alleles (0.00012%); highest among the groups gnomAD compares: African/African-American, 0.0013%; no homozygotes.

Submission:

Labcorp Genetics (formerly Invitae), Labcorp
Classification: Uncertain significance for MHC class II deficiency. Last evaluated: 2020-12-22. Review status: criteria provided, single submitter. Criteria: Invitae Variant Classification Sherloc (09022015). Collection method: clinical testing. Allele origin: germline.
Comment: Algorithms developed to predict the effect of missense changes on protein structure and function are either unavailable or do not agree on the potential impact of this missense change (SIFT: "Tolerated"; PolyPhen-2: "Probably Damaging"; Align-GVGD: "Class C0"). In summary, the available evidence is currently insufficient to determine the role of this variant in disease. Therefore, it has been classified as a Variant of Uncertain Significance. This variant has not been reported in the literature in individuals with RFXANK-related conditions. This variant is present in population databases (rs140946419, ExAC 0.01%). This sequence change replaces asparagine with serine at codon 184 of the RFXANK protein (p.Asn184Ser). The asparagine residue is highly conserved and there is a small physicochemical difference between asparagine and serine.